The following is an entry in ClinVar:

NM_152703.5(SAMD9L):c.1789A>T (p.Arg597Ter)

Gene: SAMD9L (sterile alpha motif domain containing 9 like; minus strand). Cytogenetic location: 7q21.2.
Variant type: single nucleotide variant.
Coding change: c.1789A>T on transcript NM_152703.5 (MANE Select); coding-DNA position 1789, A replaced by T.
Protein change: p.Arg597Ter; replaces arginine 597 with a stop codon.
Molecular consequence: nonsense.
Genome position (GRCh38, 1-based): chr7:93,134,183, T>A on the plus strand (A>T on the coding strand, the complement: SAMD9L is on the minus strand). VCF-style: chr7-93134183-T-A. GRCh37 (hg19) VCF-style: chr7-92763496-T-A.
Other names: c.1789A>T, p.Arg597Ter (NM_001350083.2, NM_001350084.2, NM_001350085.2 and 5 more transcripts); short protein forms R597*.
Identifiers: ClinVar variation 3367493 (VCV003367493.3).

ClinVar aggregate classification (germline): Uncertain significance. Review status: criteria provided, multiple submitters, no conflicts (2 of 4 stars). 2 submissions from 2 submitters: Uncertain significance (2). Last evaluated 2024-11-06.

Submissions (2):

Labcorp Genetics (formerly Invitae), Labcorp
Classification: Uncertain significance. Last evaluated: 2024-11-06. Review status: criteria provided, single submitter. Criteria: Invitae Variant Classification Sherloc (09022015). Collection method: clinical testing. Allele origin: germline.
Comment: This sequence change creates a premature translational stop signal (p.Arg597*) in the SAMD9L gene. While this is not anticipated to result in nonsense mediated decay, it is expected to disrupt the last 988 amino acid(s) of the SAMD9L protein. This variant is not present in population databases (gnomAD no frequency). This variant has not been reported in the literature in individuals affected with SAMD9L-related conditions. In summary, the available evidence is currently insufficient to determine the role of this variant in disease. Therefore, it has been classified as a Variant of Uncertain Significance.

GeneDx
Classification: Uncertain significance. Last evaluated: 2024-01-05. Review status: criteria provided, single submitter. Criteria: GeneDx Variant Classification Process June 2021. Collection method: clinical testing. Allele origin: germline. Affected: yes.
Comment: Nonsense variant predicted to result in protein truncation, as the last 988 amino acids are lost, in a gene for which loss of function is not an established mechanism of disease; Has not been previously published as pathogenic or benign to our knowledge; Not observed at significant frequency in large population cohorts (gnomAD)